The following is an entry in ClinVar:

ClinVar aggregate classification (germline): Uncertain significance (1 of 4 stars; one submission).

Conditions:
Alstrom syndrome (ALMS). Identifiers: Orphanet 64, MedGen C0268425, MONDO:0008763, OMIM 203800.

Submission:

Labcorp Genetics (formerly Invitae), Labcorp
Classification: Uncertain significance for Alstrom syndrome. Last evaluated: 2021-10-15. Review status: criteria provided, single submitter. Criteria: Invitae Variant Classification Sherloc (09022015). Collection method: clinical testing. Allele origin: germline.
Comment: This sequence change replaces isoleucine with methionine at codon 3710 of the ALMS1 protein (p.Ile3710Met). The isoleucine residue is moderately conserved and there is a small physicochemical difference between isoleucine and methionine. This variant is not present in population databases (ExAC no frequency). This variant has not been reported in the literature in individuals affected with ALMS1-related conditions. Experimental studies and prediction algorithms are not available or were not evaluated, and the functional significance of this variant is currently unknown. In summary, the available evidence is currently insufficient to determine the role of this variant in disease. Therefore, it has been classified as a Variant of Uncertain Significance.

NM_001378454.1(ALMS1):c.11127T>G (p.Ile3709Met)

Gene: ALMS1 (ALMS1 centrosome and basal body associated protein; plus strand). Cytogenetic location: 2p13.1.
Variant type: single nucleotide variant.
Coding change: c.11127T>G on transcript NM_001378454.1 (MANE Select); coding-DNA position 11127, T replaced by G.
Protein change: p.Ile3709Met; replaces isoleucine 3709 with methionine.
Molecular consequence: missense variant.
Genome position (GRCh38, 1-based): chr2:73,573,004, T>G. VCF-style: chr2-73573004-T-G. GRCh37 (hg19) VCF-style: chr2-73800131-T-G.
Other names: c.11130T>G, p.Ile3710Met (NM_015120.4); short protein forms I3709M, I3710M.
Identifiers: ClinVar variation 1514986 (VCV001514986.3), dbSNP rs2104106623, ClinGen allele CA347287437.
Genomic context (GRCh38, chr2:73,573,004, plus strand): 5'-AGGCGAGCTTAAAAAAAGCAAGGTGCTTTCTCATCATCGAGCTGGGAGGTCTAATCAAAT[T>G]AAAATTGAACAGATTAAATTTGATAAATATATTCTGAGTAAACAGCCAGGTTTTAATTAT-3'
Protein context (NP_001365383.1, residues 3699-3719): SHHRAGRSNQ[Ile3709Met]KIEQIKFDKY